The following is an entry in ClinVar:

ClinVar aggregate classification (germline): Likely benign. Review status: criteria provided, multiple submitters, no conflicts (2 of 4 stars). 2 submissions from 2 submitters: Likely benign (2). Last evaluated 2025-02-05.

Conditions:
Amyotrophic lateral sclerosis type 4 (ALS4). Also called: AMYOTROPHIC LATERAL SCLEROSIS 4, JUVENILE; NEURONOPATHY, DISTAL HEREDITARY MOTOR, WITH PYRAMIDAL FEATURES. Identifiers: Orphanet 357043, MedGen C1865409, MONDO:0011223, OMIM 602433.
Spinocerebellar ataxia, autosomal recessive, with axonal neuropathy 2 (SCAN2). Also called: Ataxia with Oculomotor Apraxia; Ataxia with Oculomotor Apraxia Type 2; Ataxia-ocular apraxia-2; ATAXIA-OCULOMOTOR APRAXIA 2. Identifiers: Orphanet 64753, MedGen C1853761, MONDO:0018996, OMIM 606002.

Allele frequency attached by ClinVar (database versions not stated): TOPMed below 0.00001; gnomAD 0.00003; gnomAD exomes 0.00003; ExAC 0.00009.

Submissions (2):

Women's Health and Genetics/Laboratory Corporation of America, LabCorp
Classification: Likely benign. Last evaluated: 2025-02-05. Review status: criteria provided, single submitter. Criteria: LabCorp Variant Classification Summary - May 2015. Collection method: clinical testing. Allele origin: germline.
Comment: Variant summary: SETX c.6547-15delC alters a nucleotide located at a position not widely known to affect splicing. Consensus agreement among computation tools predict no significant impact on normal splicing. However, these predictions have yet to be confirmed by functional studies. The variant allele was found at a frequency of 7.2e-05 in 251382 control chromosomes. This frequency is not significantly higher than estimated for a pathogenic variant in SETX causing autosomal recessive Spinocerebellar ataxia with axonal neuropathy 2 (7.2e-05 vs 0.0012), allowing no conclusion about variant significance. To our knowledge, no occurrence of c.6547-15delC in individuals affected with Spinocerebellar ataxia and no experimental evidence demonstrating its impact on protein function have been reported. ClinVar contains an entry for this variant (Variation ID: 2157745). Based on the evidence outlined above, the variant was classified as likely benign.

Labcorp Genetics (formerly Invitae), Labcorp
Classification: Likely benign for Amyotrophic lateral sclerosis type 4; Spinocerebellar ataxia, autosomal recessive, with axonal neuropathy 2. Last evaluated: 2024-02-24. Review status: criteria provided, single submitter. Criteria: Invitae Variant Classification Sherloc (09022015). Collection method: clinical testing. Allele origin: germline.

NM_015046.7(SETX):c.6547-15del

Gene: SETX (senataxin; minus strand). Cytogenetic location: 9q34.13.
Variant type: Deletion.
Coding change: c.6547-15del on transcript NM_015046.7 (MANE Select); 15 bases into the intron before coding-DNA position 6547, one base deleted (C; older notation c.6547-15delC).
Molecular consequence: intron variant.
Genome position (GRCh38, 1-based): chr9:132,281,589, G deleted on the plus strand (C on the coding strand, the reverse complement: SETX is on the minus strand). VCF-style (leftmost placement, unchanged base first): chr9-132281588-AG-A. GRCh37 (hg19) VCF-style: chr9-135156975-AG-A.
Other names: c.6547-15del (NM_001351528.2, NM_001351527.2); c.6547-15delC (NM_015046.7).
Identifiers: ClinVar variation 2157745 (VCV002157745.5), dbSNP rs780495472, ClinGen allele CA5296680.